The following is an entry in ClinVar:

ClinVar aggregate classification (germline): Uncertain significance (1 of 4 stars; one submission).

Conditions:
Hereditary cancer-predisposing syndrome. Also called: Neoplastic Syndromes, Hereditary; Tumor predisposition; Hereditary Cancer Syndrome; Hereditary neoplastic syndrome. Identifiers: Orphanet 140162, MedGen C0027672, MeSH D009386, MONDO:0015356.

Submission:

Ambry Genetics
Classification: Uncertain significance for Hereditary cancer-predisposing syndrome. Last evaluated: 2020-07-06. Review status: criteria provided, single submitter. Criteria: Ambry Variant Classification Scheme 2023. Collection method: clinical testing. Allele origin: germline.
Comment: The p.S271C variant (also known as c.811A>T), located in coding exon 6 of the STK11 gene, results from an A to T substitution at nucleotide position 811. The serine at codon 271 is replaced by cysteine, an amino acid with dissimilar properties. This amino acid position is not well conserved in available vertebrate species. In addition, this alteration is predicted to be tolerated by in silico analysis. Since supporting evidence is limited at this time, the clinical significance of this alteration remains unclear.

Literature cited by the submitters: PubMed 25179843.

NM_000455.5(STK11):c.811A>T (p.Ser271Cys)

Gene: STK11 (serine/threonine kinase 11; plus strand). Cytogenetic location: 19p13.3.
Variant type: single nucleotide variant.
Coding change: c.811A>T on transcript NM_000455.5 (MANE Select); coding-DNA position 811, A replaced by T.
Protein change: p.Ser271Cys; replaces serine 271 with cysteine.
Molecular consequence: missense variant.
Genome position (GRCh38, 1-based): chr19:1,221,289, A>T. VCF-style: chr19-1221289-A-T. GRCh37 (hg19) VCF-style: chr19-1221288-A-T.
Other names: c.811A>T, p.Ser271Cys (NM_001407255.1); short protein forms S271C.
Identifiers: ClinVar variation 1762069 (VCV001762069.2), dbSNP rs2145427058, ClinGen allele CA402950594.